The following is an entry in ClinVar:

NM_000346.4(SOX9):c.1167G>A (p.Pro389=)

Gene: SOX9 (SRY-box transcription factor 9; plus strand). Cytogenetic location: 17q24.3.
Variant type: single nucleotide variant.
Coding change: c.1167G>A on transcript NM_000346.4 (MANE Select); coding-DNA position 1167, G replaced by A.
Protein change: p.Pro389=; no amino-acid change (proline 389 retained).
Molecular consequence: synonymous variant.
Genome position (GRCh38, 1-based): chr17:72,124,024, G>A. VCF-style: chr17-72124024-G-A. GRCh37 (hg19) VCF-style: chr17-70120165-G-A.
Identifiers: ClinVar variation 1590838 (VCV001590838.9), dbSNP rs147286621, ClinGen allele CA8739115.

ClinVar aggregate classification (germline): Likely benign. Review status: criteria provided, multiple submitters, no conflicts (2 of 4 stars). 2 submissions from 2 submitters: Likely benign (2). Last evaluated 2026-07-01.

Conditions:
Camptomelic dysplasia (CMPD). Also called: CMPD1/SRA1; Campomelic Dysplasia. Identifiers: Orphanet 140, MedGen C1861922, MONDO:0007251, OMIM 114290.

Allele frequency attached by ClinVar (database versions not stated): ExAC 0.00003; gnomAD exomes 0.00003; ESP Exome Variant Server 0.00008; gnomAD 0.00011 and 0.00012; TOPMed 0.00020.
gnomAD v4.1: 65 of 1,608,242 alleles (0.004%); highest among the groups gnomAD compares: African/African-American, 0.048%; no homozygotes.

Submissions (2):

CeGaT Center for Human Genetics Tuebingen
Classification: Likely benign. Last evaluated: 2026-07-01. Review status: criteria provided, single submitter. Criteria: CeGaT Center For Human Genetics Tuebingen Variant Classification Criteria Version 2. Collection method: clinical testing. Allele origin: germline. Affected: yes. Observed: 1 variant allele.
Comment: SOX9: BP4, BP7

Labcorp Genetics (formerly Invitae), Labcorp
Classification: Likely benign for Camptomelic dysplasia. Last evaluated: 2025-10-14. Review status: criteria provided, single submitter. Criteria: Invitae Variant Classification Sherloc (09022015). Collection method: clinical testing. Allele origin: germline.